The following is an entry in ClinVar:

NC_000017.10:g.(?_647660)_(655505_?)dup

Gene: GEMIN4 (gem nuclear organelle associated protein 4; minus strand). Cytogenetic location: 17p13.3.
Variant type: Duplication.
Identifiers: ClinVar variation 3768997 (VCV003768997.1).

ClinVar aggregate classification (germline): Uncertain significance (1 of 4 stars; one submission).

Submission:

Women's Health and Genetics/Laboratory Corporation of America, LabCorp
Classification: Uncertain significance. Last evaluated: 2025-02-18. Review status: criteria provided, single submitter. Criteria: LabCorp Variant Classification Summary - May 2015. Collection method: clinical testing. Allele origin: germline.
Comment: Variant summary: The variant involves the duplication of exons 1-2 in the GEMIN4 gene. A presumed nomenclature of c.(?_-123)_(*446_?)dup has been designated for the purposes of this classification. This duplication includes the entire coding sequence of the gene. As exact breakpoints are unknown, it may extend beyond the annotated region of the gene, to include other flanking genes. The variant was absent in 20614 control chromosomes. The available data on variant occurrences in the general population are insufficient to allow any conclusion about variant significance. To our knowledge, no occurrence of c.(?_-123)_(*446_?)dup in individuals affected with Neurodevelopmental Disorder With Microcephaly, Cataracts, And Renal Abnormalities and no experimental evidence demonstrating its impact on protein function have been reported. No submitters have cited clinical-significance assessments for this variant to ClinVar. Based on the evidence outlined above, the variant was classified as uncertain significance.